The following is an entry in ClinVar:

ClinVar aggregate classification (germline): Likely pathogenic (1 of 4 stars; one submission).

Conditions:
Early-infantile DEE. Also called: Ohtahara syndrome; Early infantile epileptic encephalopathy with suppression bursts; Early infantile epileptic encephalopathy. Identifiers: Orphanet 1934, MedGen C0393706, MONDO:0800491.

Submission:

Labcorp Genetics (formerly Invitae), Labcorp
Classification: Likely pathogenic for Early-infantile DEE. Last evaluated: 2023-12-01. Review status: criteria provided, single submitter. Criteria: Invitae Variant Classification Sherloc (09022015). Collection method: clinical testing. Allele origin: germline.
Comment: This sequence change affects a donor splice site in intron 5 of the KCNQ2 gene. It is expected to disrupt RNA splicing. Variants that disrupt the donor or acceptor splice site typically lead to a loss of protein function (PMID: 16199547), and loss-of-function variants in KCNQ2 are known to be pathogenic (PMID: 14534157, 23692823, 27779742). This variant is not present in population databases (gnomAD no frequency). Disruption of this splice site has been observed in individual(s) with KCNQ2-related conditions (Invitae). Algorithms developed to predict the effect of sequence changes on RNA splicing suggest that this variant may disrupt the consensus splice site. In summary, the currently available evidence indicates that the variant is pathogenic, but additional data are needed to prove that conclusively. Therefore, this variant has been classified as Likely Pathogenic.

Literature cited by the submitters: PubMed 16199547; PubMed 14534157; PubMed 23692823; PubMed 27779742.

NM_172107.4(KCNQ2):c.816+2T>G

Gene: KCNQ2 (potassium voltage-gated channel subfamily Q member 2; minus strand). Cytogenetic location: 20q13.33.
Variant type: single nucleotide variant.
Coding change: c.816+2T>G on transcript NM_172107.4 (MANE Select); the canonical splice donor site of the intron after coding-DNA position 816, T replaced by G.
Molecular consequence: splice donor variant.
Genome position (GRCh38, 1-based): chr20:63,442,404, A>C on the plus strand (T>G on the coding strand, the complement: KCNQ2 is on the minus strand). VCF-style: chr20-63442404-A-C. GRCh37 (hg19) VCF-style: chr20-62073757-A-C.
Other names: c.816+2T>G (NM_004518.6, NM_172108.5, NM_172106.3 and 2 more transcripts).
Identifiers: ClinVar variation 2700058 (VCV002700058.3), dbSNP rs2081186625, ClinGen allele CA409653322.